The following is an entry in ClinVar:

ClinVar aggregate classification (germline): Uncertain significance (1 of 4 stars; one submission).

Conditions:
Osteogenesis imperfecta type 7 (OI7). Also called: OSTEOGENESIS IMPERFECTA, TYPE IIB; Osteogenesis imperfecta type 2B; OI type 2B; Osteogenesis imperfecta, perinatal lethal autosomal recessive; OI type IIB; OI type 7. Identifiers: MedGen C1853162, MONDO:0012536, OMIM 610682.

Allele frequency attached by ClinVar (database versions not stated): gnomAD exomes below 0.00001 and 0.00001; TOPMed below 0.00001; ExAC 0.00001; gnomAD 0.00001.
gnomAD v4.1: 8 of 1,614,068 alleles (0.0005%); highest among the groups gnomAD compares: Non-Finnish European, 0.00068%; no homozygotes.

Submission:

Labcorp Genetics (formerly Invitae), Labcorp
Classification: Uncertain significance for Osteogenesis imperfecta type 7. Last evaluated: 2022-07-19. Review status: criteria provided, single submitter. Criteria: Invitae Variant Classification Sherloc (09022015). Collection method: clinical testing. Allele origin: germline.
Comment: This sequence change replaces lysine, which is basic and polar, with arginine, which is basic and polar, at codon 329 of the CRTAP protein (p.Lys329Arg). This variant is present in population databases (rs757967789, gnomAD 0.0009%). This variant has not been reported in the literature in individuals affected with CRTAP-related conditions. ClinVar contains an entry for this variant (Variation ID: 998632). Algorithms developed to predict the effect of missense changes on protein structure and function output the following: SIFT: "Tolerated"; PolyPhen-2: "Benign"; Align-GVGD: "Class C0". The arginine amino acid residue is found in multiple mammalian species, which suggests that this missense change does not adversely affect protein function. In summary, the available evidence is currently insufficient to determine the role of this variant in disease. Therefore, it has been classified as a Variant of Uncertain Significance.

NM_006371.5(CRTAP):c.986A>G (p.Lys329Arg)

Gene: CRTAP (cartilage associated protein; plus strand). Cytogenetic location: 3p22.3.
Variant type: single nucleotide variant.
Coding change: c.986A>G on transcript NM_006371.5 (MANE Select); coding-DNA position 986, A replaced by G.
Protein change: p.Lys329Arg; replaces lysine 329 with arginine.
Molecular consequence: missense variant.
Genome position (GRCh38, 1-based): chr3:33,132,618, A>G. VCF-style: chr3-33132618-A-G. GRCh37 (hg19) VCF-style: chr3-33174110-A-G.
Other names: short protein forms K329R.
Identifiers: ClinVar variation 998632 (VCV000998632.2), dbSNP rs757967789, ClinGen allele CA2300464.